The following is an entry in ClinVar:

NM_004830.4(MED23):c.2065T>C (p.Leu689=)

Gene: MED23 (mediator complex subunit 23; minus strand). Cytogenetic location: 6q23.2.
Variant type: single nucleotide variant.
Coding change: c.2065T>C on transcript NM_004830.4 (MANE Select); coding-DNA position 2065, T replaced by C.
Protein change: p.Leu689=; no amino-acid change (leucine 689 retained).
Molecular consequence: synonymous variant.
Genome position (GRCh38, 1-based): chr6:131,602,248, A>G on the plus strand (T>C on the coding strand, the complement: MED23 is on the minus strand). VCF-style: chr6-131602248-A-G. GRCh37 (hg19) VCF-style: chr6-131923388-A-G.
Other names: c.2065T>C, p.Leu689= (NM_001270521.2, NM_001270522.2, NM_001376519.1 and 3 more transcripts); c.2083T>C, p.Leu695= (NM_001376517.1, NM_015979.4); c.2011T>C, p.Leu671= (NM_001376518.1); c.1924T>C, p.Leu642= (NM_001376520.1); c.1810T>C, p.Leu604= (NM_001376523.1); c.2083T>C (NM_015979.3).
Identifiers: ClinVar variation 1785603 (VCV001785603.4), dbSNP rs763009827, ClinGen allele CA3999896.

ClinVar aggregate classification (germline): Likely benign. Review status: criteria provided, single submitter (1 of 4 stars). 2 submissions from 2 submitters: Likely benign (1). 1 of the submissions does not count toward it. Last evaluated 2017-11-17.

Conditions:
Inborn genetic diseases. Identifiers: MedGen C0950123, MeSH D030342.
MED23-related disorder. Also called: MED23-related condition.

Allele frequency attached by ClinVar (database versions not stated): gnomAD 0.00003; gnomAD exomes 0.00006; TOPMed 0.00007; ExAC 0.00008.
gnomAD v4.1: 42 of 1,613,824 alleles (0.0026%); highest among the groups gnomAD compares: Admixed American, 0.057%; no homozygotes.

Submissions (2):

Ambry Genetics
Classification: Likely benign for Inborn genetic diseases. Last evaluated: 2017-11-17. Review status: criteria provided, single submitter. Criteria: Ambry Variant Classification Scheme 2023. Collection method: clinical testing. Allele origin: germline.

PreventionGenetics, part of Exact Sciences
Classification: Likely benign for MED23-related condition. Last evaluated: 2019-04-15. Review status: no assertion criteria provided. Collection method: clinical testing. Allele origin: germline. Not counted in ClinVar's aggregate classification.
Comment: This variant is classified as likely benign based on ACMG/AMP sequence variant interpretation guidelines (Richards et al. 2015 PMID: 25741868, with internal and published modifications).